The following is an entry in ClinVar:

ClinVar aggregate classification (germline): Uncertain significance. Review status: criteria provided, multiple submitters, no conflicts (2 of 4 stars). 2 submissions from 2 submitters: Uncertain significance (2). Last evaluated 2024-04-23.

Conditions:
Cardiovascular phenotype. Identifiers: MedGen CN230736.
Distal myopathy with posterior leg and anterior hand involvement. Also called: WILLIAMS DISTAL MYOPATHY. Identifiers: Orphanet 63273, MedGen C3279722, MONDO:0013550, OMIM 614065.
Hypertrophic cardiomyopathy 26. Also called: Cardiomyopathy, familial hypertrophic, 26. Identifiers: Orphanet 75249, MedGen C4310749, MONDO:0014883, OMIM 617047.
Myofibrillar myopathy 5. Also called: FILAMINOPATHY, AUTOSOMAL DOMINANT; Filaminopathy (type). Identifiers: Orphanet 171445, MedGen C1836050, MONDO:0012289, OMIM 609524.

gnomAD v4.1: 1 of 1,608,470 alleles (0.000062%); no homozygotes.

Submissions (2):

Labcorp Genetics (formerly Invitae), Labcorp
Classification: Uncertain significance for Distal myopathy with posterior leg and anterior hand involvement; Myofibrillar myopathy 5; Hypertrophic cardiomyopathy 26. Last evaluated: 2024-04-23. Review status: criteria provided, single submitter. Criteria: Invitae Variant Classification Sherloc (09022015). Collection method: clinical testing. Allele origin: germline.
Comment: This sequence change replaces lysine, which is basic and polar, with arginine, which is basic and polar, at codon 2291 of the FLNC protein (p.Lys2291Arg). This variant is not present in population databases (gnomAD no frequency). This variant has not been reported in the literature in individuals affected with FLNC-related conditions. Advanced modeling of protein sequence and biophysical properties (such as structural, functional, and spatial information, amino acid conservation, physicochemical variation, residue mobility, and thermodynamic stability) performed at Invitae indicates that this missense variant is not expected to disrupt FLNC protein function with a negative predictive value of 95%. Algorithms developed to predict the effect of sequence changes on RNA splicing suggest that this variant may disrupt the consensus splice site. In summary, the available evidence is currently insufficient to determine the role of this variant in disease. Therefore, it has been classified as a Variant of Uncertain Significance.

Ambry Genetics
Classification: Uncertain significance for Cardiovascular phenotype. Last evaluated: 2023-09-19. Review status: criteria provided, single submitter. Criteria: Ambry Variant Classification Scheme 2023. Collection method: clinical testing. Allele origin: germline.
Comment: The p.K2291R variant (also known as c.6872A>G), located in coding exon 41 of the FLNC gene, results from an A to G substitution at nucleotide position 6872. The lysine at codon 2291 is replaced by arginine, an amino acid with highly similar properties. This amino acid position is highly conserved in available vertebrate species. In addition, this alteration is predicted to be tolerated by in silico analysis. Since supporting evidence is limited at this time, the clinical significance of this alteration remains unclear.

NM_001458.5(FLNC):c.6872A>G (p.Lys2291Arg)

Genes: FLNC (filamin C; plus strand), FLNC-AS1 (FLNC antisense RNA 1; minus strand). Cytogenetic location: 7q32.1.
Variant type: single nucleotide variant.
Coding change: c.6872A>G on transcript NM_001458.5 (MANE Select); coding-DNA position 6872, A replaced by G.
Protein change: p.Lys2291Arg; replaces lysine 2291 with arginine.
Molecular consequence: missense variant.
Genome position (GRCh38, 1-based): chr7:128,854,557, A>G. VCF-style: chr7-128854557-A-G. GRCh37 (hg19) VCF-style: chr7-128494611-A-G.
Other names: c.6773A>G, p.Lys2258Arg (NM_001127487.2); short protein forms K2258R, K2291R.
Identifiers: ClinVar variation 3221751 (VCV003221751.3), dbSNP rs1003005680, ClinGen allele CA369214006.